The following is an entry in ClinVar:

NM_001042681.2(RERE):c.3521C>T (p.Ala1174Val)

Gene: RERE (arginine-glutamic acid dipeptide repeats; minus strand). Cytogenetic location: 1p36.23.
Variant type: single nucleotide variant.
Coding change: c.3521C>T on transcript NM_001042681.2 (MANE Select); coding-DNA position 3521, C replaced by T.
Protein change: p.Ala1174Val; replaces alanine 1174 with valine.
Molecular consequence: missense variant.
Genome position (GRCh38, 1-based): chr1:8,359,861, G>A on the plus strand (C>T on the coding strand, the complement: RERE is on the minus strand). VCF-style: chr1-8359861-G-A. GRCh37 (hg19) VCF-style: chr1-8419921-G-A.
Other names: c.1859C>T, p.Ala620Val (NM_001042682.2); c.3521C>T, p.Ala1174Val (NM_012102.4); short protein forms A1174V, A620V.
Identifiers: ClinVar variation 2505661 (VCV002505661.1), dbSNP rs2522706739, ClinGen allele CA338170401.

ClinVar aggregate classification (germline): Uncertain significance (1 of 4 stars; one submission).

Submission:

GeneDx
Classification: Uncertain significance. Last evaluated: 2022-12-19. Review status: criteria provided, single submitter. Criteria: GeneDx Variant Classification Process June 2021. Collection method: clinical testing. Allele origin: germline. Affected: yes.
Comment: Not observed at significant frequency in large population cohorts (gnomAD); In silico analysis supports that this missense variant does not alter protein structure/function; Has not been previously published as pathogenic or benign to our knowledge